The following is an entry in ClinVar:

ClinVar aggregate classification (germline): Uncertain significance (1 of 4 stars; one submission).

Allele frequency attached by ClinVar (database versions not stated): gnomAD 0.00003; gnomAD exomes 0.00003.
gnomAD v4.1: 15 of 1,210,647 alleles (0.0012%); highest among the groups gnomAD compares: Admixed American, 0.0065%; no homozygotes.

Submission:

Labcorp Genetics (formerly Invitae), Labcorp
Classification: Uncertain significance. Last evaluated: 2025-06-09. Review status: criteria provided, single submitter. Criteria: Invitae Variant Classification Sherloc (09022015). Collection method: clinical testing. Allele origin: germline.
Comment: This sequence change replaces arginine, which is basic and polar, with glutamine, which is neutral and polar, at codon 353 of the AMER1 protein (p.Arg353Gln). This variant is present in population databases (no rsID available, gnomAD 0.004%). This variant has not been reported in the literature in individuals affected with AMER1-related conditions. ClinVar contains an entry for this variant (Variation ID: 2416917). An algorithm developed to predict the effect of missense changes on protein structure and function (PolyPhen-2) suggests that this variant is likely to be disruptive. In summary, the available evidence is currently insufficient to determine the role of this variant in disease. Therefore, it has been classified as a Variant of Uncertain Significance.

NM_152424.4(AMER1):c.1058G>A (p.Arg353Gln)

Gene: AMER1 (APC membrane recruitment protein 1; minus strand). Cytogenetic location: Xq11.2.
Variant type: single nucleotide variant.
Coding change: c.1058G>A on transcript NM_152424.4 (MANE Select); coding-DNA position 1058, G replaced by A.
Protein change: p.Arg353Gln; replaces arginine 353 with glutamine.
Molecular consequence: missense variant.
Genome position (GRCh38, 1-based): chrX:64,192,229, C>T on the plus strand (G>A on the coding strand, the complement: AMER1 is on the minus strand). VCF-style: chrX-64192229-C-T. GRCh37 (hg19) VCF-style: chrX-63412109-C-T.
Other names: short protein forms R353Q.
Identifiers: ClinVar variation 2416917 (VCV002416917.5), dbSNP rs1157288902, ClinGen allele CA413308588.